The following is an entry in ClinVar:

ClinVar aggregate classification (germline): Uncertain significance. Review status: criteria provided, multiple submitters, no conflicts (2 of 4 stars). 2 submissions from 2 submitters: Uncertain significance (2). Last evaluated 2026-02-02.

Conditions:
FG syndrome (FGS). Identifiers: MedGen C0220769, MONDO:0002010.
Familial thoracic aortic aneurysm and aortic dissection (TAAD). Also called: Thoracic aortic aneurysms and dissections. Identifiers: Orphanet 91387, MedGen C4707243, MONDO:0019625.

Allele frequency attached by ClinVar (database versions not stated): TOPMed below 0.00001.

Submissions (2):

Labcorp Genetics (formerly Invitae), Labcorp
Classification: Uncertain significance for FG syndrome. Last evaluated: 2026-02-02. Review status: criteria provided, single submitter. Criteria: Invitae Variant Classification Sherloc (09022015). Collection method: clinical testing. Allele origin: germline.
Comment: This sequence change replaces glutamine, which is neutral and polar, with proline, which is neutral and non-polar, at codon 323 of the MED12 protein (p.Gln323Pro). This variant is not present in population databases (gnomAD no frequency). This variant has not been reported in the literature in individuals affected with MED12-related conditions. ClinVar contains an entry for this variant (Variation ID: 2830585). Invitae Evidence Modeling of protein sequence and biophysical properties (such as structural, functional, and spatial information, amino acid conservation, physicochemical variation, residue mobility, and thermodynamic stability) indicates that this missense variant is not expected to disrupt MED12 protein function with a negative predictive value of 95%. In summary, the available evidence is currently insufficient to determine the role of this variant in disease. Therefore, it has been classified as a Variant of Uncertain Significance.

Ambry Genetics
Classification: Uncertain significance for Familial thoracic aortic aneurysm and aortic dissection. Last evaluated: 2025-03-23. Review status: criteria provided, single submitter. Criteria: Ambry Variant Classification Scheme 2023. Collection method: clinical testing. Allele origin: germline.
Comment: The p.Q323P variant (also known as c.968A>C), located in coding exon 7 of the MED12 gene, results from an A to C substitution at nucleotide position 968. The glutamine at codon 323 is replaced by proline, an amino acid with similar properties. This amino acid position is conserved. In addition, the in silico prediction for this alteration is inconclusive. Based on the available evidence, the clinical significance of this variant remains unclear.

NM_005120.3(MED12):c.968A>C (p.Gln323Pro)

Gene: MED12 (mediator complex subunit 12; plus strand). Cytogenetic location: Xq13.1.
Variant type: single nucleotide variant.
Coding change: c.968A>C on transcript NM_005120.3 (MANE Select); coding-DNA position 968, A replaced by C.
Protein change: p.Gln323Pro; replaces glutamine 323 with proline.
Molecular consequence: missense variant.
Genome position (GRCh38, 1-based): chrX:71,121,683, A>C. VCF-style: chrX-71121683-A-C. GRCh37 (hg19) VCF-style: chrX-70341533-A-C.
Other names: c.968A>C (NM_005120.2); short protein forms Q323P.
Identifiers: ClinVar variation 2830585 (VCV002830585.4), dbSNP rs1438072650, ClinGen allele CA413504801.
Genomic context (GRCh38, chrX:71,121,683, plus strand): 5'-GGAGACTGGCCCTGCAGCTGGATGGTGTGAGCAGTCACTCATCTCATGTTATATCTGCTC[A>C]GTCAACAAGCACGCTACCCACCACCCCTGCTCCTCAGCCCCCAACTAGCAGCACACCCTC-3'
Protein context (NP_005111.2, residues 313-333): SSHSSHVISA[Gln323Pro]STSTLPTTPA